The following is an entry in ClinVar:

NM_001943.5(DSG2):c.16G>A (p.Gly6Arg)

Genes: DSG2 (desmoglein 2; plus strand), LOC130062340 (ATAC-STARR-seq lymphoblastoid silent region 9384; plus strand). Cytogenetic location: 18q12.1.
Variant type: single nucleotide variant.
Coding change: c.16G>A on transcript NM_001943.5 (MANE Select); coding-DNA position 16, G replaced by A.
Protein change: p.Gly6Arg; replaces glycine 6 with arginine.
Molecular consequence: missense variant.
Genome position (GRCh38, 1-based): chr18:31,498,267, G>A. VCF-style: chr18-31498267-G-A. GRCh37 (hg19) VCF-style: chr18-29078230-G-A.
Other names: short protein forms G6R.
Identifiers: ClinVar variation 3779294 (VCV003779294.3).

ClinVar aggregate classification (germline): Conflicting classifications of pathogenicity. Review status: criteria provided, conflicting classifications (1 of 4 stars). 3 submissions from 3 submitters: Uncertain significance (2); Likely benign (1). Last evaluated 2026-07-02.

Conditions:
Arrhythmogenic right ventricular cardiomyopathy (ARVD). Also called: Cardiomyopathy, ARVC; Arrhythmogenic right ventricular dysplasia; Arrhythmogenic cardiomyopathy; Arrhythmogenic Right Ventricular Cardiomyopathy (ARVC). Identifiers: Orphanet 247, MedGen C0349788, MeSH D019571, MONDO:0016587. Disease mechanism: loss of function. Inheritance: Various modes of inheritance.
Cardiovascular phenotype. Identifiers: MedGen CN230736.

gnomAD v4.1: 1 of 1,263,136 alleles (0.000079%); highest among the groups gnomAD compares: Non-Finnish European, 0.0001%; no homozygotes.

Submissions (3):

Ambry Genetics
Classification: Uncertain significance for Cardiovascular phenotype. Last evaluated: 2026-07-02. Review status: criteria provided, single submitter. Criteria: Ambry Variant Classification Scheme 2023. Collection method: clinical testing. Allele origin: germline.
Comment: The p.G6R variant (also known as c.16G>A), located in coding exon 1 of the DSG2 gene, results from a G to A substitution at nucleotide position 16. The glycine at codon 6 is replaced by arginine, an amino acid with dissimilar properties. This amino acid position is conserved. In addition, this alteration is predicted to be tolerated by in silico analysis. Based on the available evidence, the clinical significance of this variant remains unclear.

Blueprint Genetics
Classification: Likely benign. Last evaluated: 2023-06-01. Review status: criteria provided, single submitter. Criteria: ACMG Guidelines, 2015. Collection method: clinical testing. Allele origin: germline.

Department of Pathology and Laboratory Medicine, Sinai Health System
Classification: Uncertain significance for arrhythmogenic right ventricular cardiomyopathy. Last evaluated: 2022-02-08. Review status: criteria provided, single submitter. Criteria: ACMG Guidelines, 2015. Collection method: research. Allele origin: germline.